The following is an entry in ClinVar:

ClinVar aggregate classification (germline): Benign/Likely benign. Review status: criteria provided, multiple submitters, no conflicts (2 of 4 stars). 8 submissions from 8 submitters: Benign (1); Likely benign (6). 1 of the submissions does not count toward it. Last evaluated 2026-09-01.

Conditions:
Cardiovascular phenotype. Identifiers: MedGen CN230736.
Alagille syndrome due to a JAG1 point mutation. Also called: HEPATIC DUCTULAR HYPOPLASIA, SYNDROMATIC; JAG1-Related Alagille Syndrome; Alagille Syndrome 1. Identifiers: Orphanet 261619, Orphanet 52, MedGen C1956125, MONDO:0016862, OMIM 118450.
JAG1-related disorder. Also called: JAG1-related disorders; JAG1-related condition.
Isolated Nonsyndromic Congenital Heart Disease.

Allele frequency attached by ClinVar (database versions not stated): TOPMed 0.00005; gnomAD 0.00006; ESP Exome Variant Server 0.00008; gnomAD exomes 0.00008 and 0.00010; ExAC 0.00012; 1000 Genomes Project 30x 0.00016; 1000 Genomes Project 0.00020.
gnomAD v4.1: 131 of 1,614,186 alleles (0.0081%); highest among the groups gnomAD compares: Non-Finnish European, 0.01%; no homozygotes.

Submissions (8):

CeGaT Center for Human Genetics Tuebingen
Classification: Likely benign. Last evaluated: 2026-09-01. Review status: criteria provided, single submitter. Criteria: CeGaT Center For Human Genetics Tuebingen Variant Classification Criteria Version 2. Collection method: clinical testing. Allele origin: germline. Affected: yes. Observed: 1 variant allele.
Comment: JAG1: BP4

Labcorp Genetics (formerly Invitae), Labcorp
Classification: Likely benign for Alagille syndrome due to a JAG1 point mutation. Last evaluated: 2025-12-14. Review status: criteria provided, single submitter. Criteria: Invitae Variant Classification Sherloc (09022015). Collection method: clinical testing. Allele origin: germline.

Laboratory of Genetics, Children's Clinical University Hospital Latvia
Classification: Likely benign. Last evaluated: 2025-02-16. Review status: criteria provided, single submitter. Criteria: ACMG Guidelines, 2015. Collection method: clinical testing. Allele origin: germline. Affected: yes.

Blueprint Genetics
Classification: Likely benign. Last evaluated: 2024-11-27. Review status: criteria provided, single submitter. Criteria: ACMG Guidelines, 2015. Collection method: clinical testing. Allele origin: germline.

Ambry Genetics
Classification: Likely benign for Cardiovascular phenotype. Last evaluated: 2022-09-19. Review status: criteria provided, single submitter. Criteria: Ambry Variant Classification Scheme 2023. Collection method: clinical testing. Allele origin: germline.

GeneDx
Classification: Likely benign. Last evaluated: 2018-03-12. Review status: criteria provided, single submitter. Criteria: GeneDx Variant Classification (06012015). Collection method: clinical testing. Allele origin: germline. Affected: yes.
Comment: This variant is considered likely benign or benign based on one or more of the following criteria: it is a conservative change, it occurs at a poorly conserved position in the protein, it is predicted to be benign by multiple in silico algorithms, and/or has population frequency not consistent with disease.

Illumina Laboratory Services, Illumina
Classification: Benign for Isolated Nonsyndromic Congenital Heart Disease. Last evaluated: 2018-01-13. Review status: criteria provided, single submitter. Criteria: ICSL Variant Classification Criteria 13 December 2019. Collection method: clinical testing. Allele origin: germline.
Comment: This variant was observed in the ICSL laboratory as part of a predisposition screen in an ostensibly healthy population. It had not been previously curated by ICSL or reported in the Human Gene Mutation Database (HGMD: prior to June 1st, 2018), and was therefore a candidate for classification through an automated scoring system. Utilizing variant allele frequency, disease prevalence and penetrance estimates, and inheritance mode, an automated score was calculated to assess if this variant is too frequent to cause the disease. Based on the score and internal cut-off values, a variant classified as benign is not then subjected to further curation. The score for this variant resulted in a classification of benign for this disease.

PreventionGenetics, part of Exact Sciences
Classification: Likely benign for JAG1-related condition. Last evaluated: 2022-04-04. Review status: no assertion criteria provided. Collection method: clinical testing. Allele origin: germline. Not counted in ClinVar's aggregate classification.
Comment: This variant is classified as likely benign based on ACMG/AMP sequence variant interpretation guidelines (Richards et al. 2015 PMID: 25741868, with internal and published modifications).

NM_000214.3(JAG1):c.3333C>T (p.Thr1111=)

Gene: JAG1 (jagged canonical Notch ligand 1; minus strand). Cytogenetic location: 20p12.2.
Variant type: single nucleotide variant.
Coding change: c.3333C>T on transcript NM_000214.3 (MANE Select); coding-DNA position 3333, C replaced by T.
Protein change: p.Thr1111=; no amino-acid change (threonine 1111 retained).
Molecular consequence: synonymous variant.
Genome position (GRCh38, 1-based): chr20:10,639,822, G>A on the plus strand (C>T on the coding strand, the complement: JAG1 is on the minus strand). VCF-style: chr20-10639822-G-A. GRCh37 (hg19) VCF-style: chr20-10620470-G-A.
Other names: c.3333C>T, p.Thr1111= (LRG_1191t1).
Identifiers: ClinVar variation 515551 (VCV000515551.20), dbSNP rs141439542, ClinGen allele CA9764221.